The following is an entry in ClinVar:

NM_004172.5(SLC1A3):c.*1081C>T

Genes: SLC1A3 (solute carrier family 1 member 3; plus strand), SLC1A3-AS1 (SLC1A3 antisense RNA 1; minus strand). Cytogenetic location: 5p13.2.
Variant type: single nucleotide variant.
Coding change: c.*1081C>T on transcript NM_004172.5 (MANE Select); 1081 bases downstream of the stop codon, C replaced by T.
Molecular consequence: 3 prime UTR variant.
Genome position (GRCh38, 1-based): chr5:36,687,350, C>T. VCF-style: chr5-36687350-C-T. GRCh37 (hg19) VCF-style: chr5-36687452-C-T.
Other names: c.*1081C>T (NM_001166695.3, NM_001289939.2, NM_001289940.2).
Identifiers: ClinVar variation 353346 (VCV000353346.5), dbSNP rs7724801, ClinGen allele CA10621708.

ClinVar aggregate classification (germline): Benign (1 of 4 stars; one submission).

Conditions:
Episodic ataxia type 6. Identifiers: Orphanet 209967, MedGen C2675211, MONDO:0012982, OMIM 612656.

Allele frequency attached by ClinVar (database versions not stated): gnomAD 0.01123; TOPMed 0.01264; 1000 Genomes Project 0.01657; 1000 Genomes Project 30x 0.01874.

Submission:

Illumina Laboratory Services, Illumina
Classification: Benign for Episodic ataxia type 6. Last evaluated: 2018-01-12. Review status: criteria provided, single submitter. Criteria: ICSL Variant Classification Criteria 13 December 2019. Collection method: clinical testing. Allele origin: germline.
Comment: This variant was observed in the ICSL laboratory as part of a predisposition screen in an ostensibly healthy population. It had not been previously curated by ICSL or reported in the Human Gene Mutation Database (HGMD: prior to June 1st, 2018), and was therefore a candidate for classification through an automated scoring system. Utilizing variant allele frequency, disease prevalence and penetrance estimates, and inheritance mode, an automated score was calculated to assess if this variant is too frequent to cause the disease. Based on the score and internal cut-off values, a variant classified as benign is not then subjected to further curation. The score for this variant resulted in a classification of benign for this disease.